The following is an entry in ClinVar:

NM_000353.3(TAT):c.861G>A (p.Trp287Ter)

Genes: TAT (tyrosine aminotransferase; minus strand), TAT-AS1 (TAT antisense RNA 1; plus strand). Cytogenetic location: 16q22.2.
Variant type: single nucleotide variant.
Coding change: c.861G>A on transcript NM_000353.3 (MANE Select); coding-DNA position 861, G replaced by A.
Protein change: p.Trp287Ter; replaces tryptophan 287 with a stop codon.
Molecular consequence: nonsense.
Genome position (GRCh38, 1-based): chr16:71,570,730, C>T on the plus strand (G>A on the coding strand, the complement: TAT is on the minus strand). VCF-style: chr16-71570730-C-T. GRCh37 (hg19) VCF-style: chr16-71604633-C-T.
Other names: short protein forms W287*.
Identifiers: ClinVar variation 3643231 (VCV003643231.2).

ClinVar aggregate classification (germline): Pathogenic (1 of 4 stars; one submission).

Conditions:
Tyrosinemia type II (TYRSN2). Also called: KERATOSIS PALMOPLANTARIS WITH CORNEAL DYSTROPHY; OREGON TYPE TYROSINEMIA; TAT DEFICIENCY; TYROSINE AMINOTRANSFERASE DEFICIENCY; TYROSINE TRANSAMINASE DEFICIENCY. Identifiers: Orphanet 28378, MedGen C0268487, MONDO:0010160, OMIM 276600.

Submission:

Labcorp Genetics (formerly Invitae), Labcorp
Classification: Pathogenic for Tyrosinemia type II. Last evaluated: 2024-02-25. Review status: criteria provided, single submitter. Criteria: Invitae Variant Classification Sherloc (09022015). Collection method: clinical testing. Allele origin: germline.
Comment: This sequence change creates a premature translational stop signal (p.Trp287*) in the TAT gene. It is expected to result in an absent or disrupted protein product. Loss-of-function variants in TAT are known to be pathogenic (PMID: 9544843). This variant is not present in population databases (gnomAD no frequency). This variant has not been reported in the literature in individuals affected with TAT-related conditions. Algorithms developed to predict the effect of sequence changes on RNA splicing suggest that this variant may disrupt the consensus splice site. For these reasons, this variant has been classified as Pathogenic.

Literature cited by the submitters: PubMed 9544843.